The following is an entry in ClinVar:

NM_152564.5(VPS13B):c.6780T>C (p.Ser2260=)

Gene: VPS13B (vacuolar protein sorting 13 homolog B; plus strand). Cytogenetic location: 8q22.2.
Variant type: single nucleotide variant.
Coding change: c.6780T>C on transcript NM_152564.5 (MANE Select); coding-DNA position 6780, T replaced by C.
Protein change: p.Ser2260=; no amino-acid change (serine 2260 retained).
Molecular consequence: synonymous variant.
Genome position (GRCh38, 1-based): chr8:99,720,467, T>C. VCF-style: chr8-99720467-T-C. GRCh37 (hg19) VCF-style: chr8-100732695-T-C.
Other names: c.6855T>C, p.Ser2285= (NM_017890.5); c.6780T>C (NM_152564.4).
Identifiers: ClinVar variation 1658262 (VCV001658262.9), dbSNP rs1277725282, ClinGen allele CA462440812.
Genomic context (GRCh38, chr8:99,720,467, plus strand): 5'-CCTTAATGAGGAGGGAAATTTTGAAGTACAAGTTTCTGAACCAGTGCCTCAAATGTCATC[T>C]CCTGTGGAAAAGAATCAGACATTTAAAAGTGAACAAAGTTCAGATGACCTACGGACAGGT-3'
Protein context (NP_689777.3, residues 2250-2270): QVSEPVPQMS[Ser2260=]PVEKNQTFKS

ClinVar aggregate classification (germline): Likely benign. Review status: criteria provided, multiple submitters, no conflicts (2 of 4 stars). 2 submissions from 2 submitters: Likely benign (2). Last evaluated 2026-06-30.

Conditions:
VPS13B-related disorder. Also called: VPS13B-related condition.
Cohen syndrome (COH1). Also called: PEPPER SYNDROME; Cutis verticis gyrata, retinitis pigmentosa, and sensorineural deafness. Identifiers: Orphanet 193, MedGen C0265223, MONDO:0008999, OMIM 216550.

Submissions (2):

PreventionGenetics, part of Exact Sciences
Classification: Likely benign for VPS13B-related condition. Last evaluated: 2026-06-30. Review status: criteria provided, single submitter. Criteria: ACMG Guidelines, 2015. Collection method: clinical testing. Allele origin: germline.
Comment: This variant is classified as likely benign based on ACMG/AMP sequence variant interpretation guidelines (Richards et al. 2015 PMID: 25741868, with internal and published modifications).

Labcorp Genetics (formerly Invitae), Labcorp
Classification: Likely benign for Cohen syndrome. Last evaluated: 2023-12-07. Review status: criteria provided, single submitter. Criteria: Invitae Variant Classification Sherloc (09022015). Collection method: clinical testing. Allele origin: germline.